The following is an entry in ClinVar:

ClinVar aggregate classification (germline): Uncertain significance (1 of 4 stars; one submission).

gnomAD v4.1: 1 of 1,614,154 alleles (0.000062%); no homozygotes.

Submission:

Labcorp Genetics (formerly Invitae), Labcorp
Classification: Uncertain significance. Last evaluated: 2024-07-08. Review status: criteria provided, single submitter. Criteria: Invitae Variant Classification Sherloc (09022015). Collection method: clinical testing. Allele origin: germline.
Comment: This sequence change replaces leucine, which is neutral and non-polar, with phenylalanine, which is neutral and non-polar, at codon 89 of the CLCN7 protein (p.Leu89Phe). This variant is not present in population databases (gnomAD no frequency). This variant has not been reported in the literature in individuals affected with CLCN7-related conditions. ClinVar contains an entry for this variant (Variation ID: 1967704). An algorithm developed to predict the effect of missense changes on protein structure and function (PolyPhen-2) suggests that this variant is likely to be tolerated. In summary, the available evidence is currently insufficient to determine the role of this variant in disease. Therefore, it has been classified as a Variant of Uncertain Significance.

NM_001287.6(CLCN7):c.265C>T (p.Leu89Phe)

Gene: CLCN7 (chloride voltage-gated channel 7; minus strand). Cytogenetic location: 16p13.3.
Variant type: single nucleotide variant.
Coding change: c.265C>T on transcript NM_001287.6 (MANE Select); coding-DNA position 265, C replaced by T.
Protein change: p.Leu89Phe; replaces leucine 89 with phenylalanine.
Molecular consequence: missense variant.
Genome position (GRCh38, 1-based): chr16:1,461,623, G>A on the plus strand (C>T on the coding strand, the complement: CLCN7 is on the minus strand). VCF-style: chr16-1461623-G-A. GRCh37 (hg19) VCF-style: chr16-1511624-G-A.
Other names: c.193C>T, p.Leu65Phe (NM_001114331.3); short protein forms L65F, L89F.
Identifiers: ClinVar variation 1967704 (VCV001967704.5), dbSNP rs1423608990, ClinGen allele CA394193170.
Genomic context (GRCh38, chr16:1,461,623, plus strand): 5'-AGGCCGGGTCTCAGGGTCAGGGGGACAGAAGGACGCCCACCTCATACTTGAGGGACAGGA[G>A]CTTCTCGTTGTGTGGGATCTCCTTGGGGAAGGGATGTGGAGGGTCCATATCCTGTGGCAG-3'
Protein context (NP_001278.1, residues 79-99): FPKEIPHNEK[Leu89Phe]LSLKYESLDY